The following is an entry in ClinVar:

ClinVar aggregate classification (germline): Uncertain significance (1 of 4 stars; one submission).

Conditions:
Inborn genetic diseases. Identifiers: MedGen C0950123, MeSH D030342.

gnomAD v4.1: 1 of 1,614,180 alleles (0.000062%); highest among the groups gnomAD compares: South Asian, 0.0011%; no homozygotes.

Submission:

Ambry Genetics
Classification: Uncertain significance for Inborn genetic diseases. Last evaluated: 2025-09-28. Review status: criteria provided, single submitter. Criteria: Ambry Variant Classification Scheme 2023. Collection method: clinical testing. Allele origin: germline.
Comment: The p.L371W variant (also known as c.1112T>G), located in coding exon 12 of the ASXL1 gene, results from a T to G substitution at nucleotide position 1112. The leucine at codon 371 is replaced by tryptophan, an amino acid with similar properties. This amino acid position is conserved. In addition, this alteration is predicted to be tolerated by in silico analysis. Based on the available evidence, the clinical significance of this variant remains unclear.

NM_015338.6(ASXL1):c.1112T>G (p.Leu371Trp)

Gene: ASXL1 (ASXL transcriptional regulator 1; plus strand). Cytogenetic location: 20q11.21.
Variant type: single nucleotide variant.
Coding change: c.1112T>G on transcript NM_015338.6 (MANE Select); coding-DNA position 1112, T replaced by G.
Protein change: p.Leu371Trp; replaces leucine 371 with tryptophan.
Molecular consequence: missense variant.
Genome position (GRCh38, 1-based): chr20:32,433,310, T>G. VCF-style: chr20-32433310-T-G. GRCh37 (hg19) VCF-style: chr20-31021113-T-G.
Other names: c.929T>G, p.Leu310Trp (NM_001363734.1); short protein forms L310W, L371W.
Identifiers: ClinVar variation 4587409 (VCV004587409.1).